The following is an entry in ClinVar:

ClinVar aggregate classification (germline): Uncertain significance (1 of 4 stars; one submission).

Conditions:
CREBBP-related disorder. Also called: CREBBP-related disorders; CREBBP-related condition.

gnomAD v4.1: 2 of 1,609,570 alleles (0.00012%); highest among the groups gnomAD compares: Non-Finnish European, 0.00017%; no homozygotes.

Submission:

PreventionGenetics, part of Exact Sciences
Classification: Uncertain significance for CREBBP-related condition. Last evaluated: 2025-06-17. Review status: criteria provided, single submitter. Criteria: ACMG Guidelines, 2015. Collection method: clinical testing. Allele origin: germline.
Comment: The CREBBP c.6689A>G variant is predicted to result in the amino acid substitution p.Gln2230Arg. To our knowledge, this variant has not been reported in the literature or in a large population database (gnomAD), indicating this variant is rare. At this time, the clinical significance of this variant is uncertain due to the absence of conclusive functional and genetic evidence.

NM_004380.3(CREBBP):c.6689A>G (p.Gln2230Arg)

Gene: CREBBP (CREB binding lysine acetyltransferase; minus strand). Cytogenetic location: 16p13.3.
Variant type: single nucleotide variant.
Coding change: c.6689A>G on transcript NM_004380.3 (MANE Select); coding-DNA position 6689, A replaced by G.
Protein change: p.Gln2230Arg; replaces glutamine 2230 with arginine.
Molecular consequence: missense variant.
Genome position (GRCh38, 1-based): chr16:3,728,358, T>C on the plus strand (A>G on the coding strand, the complement: CREBBP is on the minus strand). VCF-style: chr16-3728358-T-C. GRCh37 (hg19) VCF-style: chr16-3778359-T-C.
Other names: c.6575A>G, p.Gln2192Arg (NM_001079846.1); short protein forms Q2230R, Q2192R.
Identifiers: ClinVar variation 4989676 (VCV004989676.1).